The following is an entry in ClinVar:

ClinVar aggregate classification (germline): Uncertain significance. Review status: criteria provided, multiple submitters, no conflicts (2 of 4 stars). 2 submissions from 2 submitters: Uncertain significance (2). Last evaluated 2024-05-01.

Conditions:
Megaloblastic anemia, thiamine-responsive, with diabetes mellitus and sensorineural deafness (TRMA). Also called: THIAMINE METABOLISM DYSFUNCTION SYNDROME 1 (MEGALOBLASTIC ANEMIA, DIABETES MELLITUS, AND DEAFNESS TYPE); Thiamine-Responsive Megaloblastic Anemia Syndrome; ROGERS SYNDROME; THIAMINE-RESPONSIVE ANEMIA SYNDROME; THIAMINE-RESPONSIVE MYELODYSPLASIA. Identifiers: Orphanet 49827, MedGen C0342287, MONDO:0009575, OMIM 249270.

Allele frequency attached by ClinVar (database versions not stated): ExAC 0.00003; gnomAD 0.00003; TOPMed 0.00003; gnomAD exomes 0.00008.
gnomAD v4.1: 127 of 1,614,018 alleles (0.0079%); highest among the groups gnomAD compares: Non-Finnish European, 0.01%; no homozygotes.

Submissions (2):

Fulgent Genetics
Classification: Uncertain significance for Megaloblastic anemia, thiamine-responsive, with diabetes mellitus and sensorineural deafness. Last evaluated: 2024-05-01. Review status: criteria provided, single submitter. Criteria: ACMG Guidelines, 2015. Collection method: clinical testing. Allele origin: germline.

GeneDx
Classification: Uncertain significance. Last evaluated: 2022-10-10. Review status: criteria provided, single submitter. Criteria: GeneDx Variant Classification Process June 2021. Collection method: clinical testing. Allele origin: germline. Affected: yes.
Comment: Not observed at significant frequency in large population cohorts (gnomAD); In silico analysis supports that this missense variant has a deleterious effect on protein structure/function; Has not been previously published as pathogenic or benign to our knowledge

NM_006996.3(SLC19A2):c.479A>G (p.Tyr160Cys)

Gene: SLC19A2 (solute carrier family 19 member 2; minus strand). Cytogenetic location: 1q24.2.
Variant type: single nucleotide variant.
Coding change: c.479A>G on transcript NM_006996.3 (MANE Select); coding-DNA position 479, A replaced by G.
Protein change: p.Tyr160Cys; replaces tyrosine 160 with cysteine.
Molecular consequence: missense variant. On other transcripts: intron variant (1).
Genome position (GRCh38, 1-based): chr1:169,477,483, T>C on the plus strand (A>G on the coding strand, the complement: SLC19A2 is on the minus strand). VCF-style: chr1-169477483-T-C. GRCh37 (hg19) VCF-style: chr1-169446721-T-C.
Other names: c.205-7297A>G (NM_001319667.1); short protein forms Y160C.
Identifiers: ClinVar variation 2497930 (VCV002497930.2), dbSNP rs756308039, ClinGen allele CA1233063.